The following is an entry in ClinVar:

ClinVar aggregate classification (germline): Benign. Review status: criteria provided, multiple submitters, no conflicts (2 of 4 stars). 2 submissions from 2 submitters: Benign (2). Last evaluated 2018-06-14.

Allele frequency attached by ClinVar (database versions not stated): 1000 Genomes Project 0.31410; 1000 Genomes Project 30x 0.31871; gnomAD 0.38106 and 0.38731; TOPMed 0.38617.
gnomAD v4.1: 279,210 of 753,224 alleles (37%); highest among the groups gnomAD compares: Non-Finnish European, 42%; 54,121 homozygotes.

Submissions (2):

GeneDx
Classification: Benign. Last evaluated: 2018-06-14. Review status: criteria provided, single submitter. Criteria: GeneDx Variant Classification (06012015). Collection method: clinical testing. Allele origin: germline. Affected: yes.
Comment: This variant is considered likely benign or benign based on one or more of the following criteria: it is a conservative change, it occurs at a poorly conserved position in the protein, it is predicted to be benign by multiple in silico algorithms, and/or has population frequency not consistent with disease.

Breakthrough Genomics
Classification: Benign. Review status: criteria provided, single submitter. Criteria: ACMG Guidelines, 2015. Collection method: not provided. Allele origin: germline. Inheritance: Autosomal dominant inheritance. Affected: yes.

NM_001134407.3(GRIN2A):c.2595+152C>A

Gene: GRIN2A (glutamate ionotropic receptor NMDA type subunit 2A; minus strand). Cytogenetic location: 16p13.2.
Variant type: single nucleotide variant.
Coding change: c.2595+152C>A on transcript NM_001134407.3 (MANE Select); 152 bases into the intron after coding-DNA position 2595, C replaced by A.
Molecular consequence: intron variant.
Genome position (GRCh38, 1-based): chr16:9,768,699, G>T on the plus strand (C>A on the coding strand, the complement: GRIN2A is on the minus strand). VCF-style: chr16-9768699-G-T. GRCh37 (hg19) VCF-style: chr16-9862556-G-T.
Other names: c.2595+152C>A (NM_001134408.2, NM_000833.5).
Identifiers: ClinVar variation 681804 (VCV000681804.2), dbSNP rs11866328, ClinGen allele CA14210874.